The following is an entry in ClinVar:

ClinVar aggregate classification (germline): Uncertain significance. Review status: criteria provided, multiple submitters, no conflicts (2 of 4 stars). 2 submissions from 2 submitters: Uncertain significance (2). Last evaluated 2025-11-25.

Conditions:
Nemaline myopathy 2 (NEM2). Also called: Nemaline myopathy 2, autosomal recessive. Identifiers: MedGen C1850569, MONDO:0009725, OMIM 256030.

Submissions (2):

Labcorp Genetics (formerly Invitae), Labcorp
Classification: Uncertain significance for Nemaline myopathy 2. Last evaluated: 2025-11-25. Review status: criteria provided, single submitter. Criteria: Invitae Variant Classification Sherloc (09022015). Collection method: clinical testing. Allele origin: germline.
Comment: This sequence change replaces leucine, which is neutral and non-polar, with proline, which is neutral and non-polar, at codon 3439 of the NEB protein (p.Leu3439Pro). This variant is not present in population databases (gnomAD no frequency). This missense change has been observed in individual(s) with clinical features of congenital myopathy (PMID: 36714460; internal data). ClinVar contains an entry for this variant (Variation ID: 1380727). Experimental studies and prediction algorithms are not available or were not evaluated, and the functional significance of this variant is currently unknown. In summary, the available evidence is currently insufficient to determine the role of this variant in disease. Therefore, it has been classified as a Variant of Uncertain Significance.

Women's Health and Genetics/Laboratory Corporation of America, LabCorp
Classification: Uncertain significance. Last evaluated: 2024-11-15. Review status: criteria provided, single submitter. Criteria: LabCorp Variant Classification Summary - May 2015. Collection method: clinical testing. Allele origin: germline.
Comment: Variant summary: NEB c.10316T>C (p.Leu3439Pro) results in a non-conservative amino acid change in the encoded protein sequence. Three of four in-silico tools predict a damaging effect of the variant on protein function. The variant was absent in 249190 control chromosomes (gnomAD). The available data on variant occurrences in the general population are insufficient to allow any conclusion about variant significance. c.10316T>C has been reported in the literature in at least one compound heterozygous individual affected with Nemaline Myopathy 2 (Moreno_2023), who carried a second pathogenic variant. These data do not allow clear conclusion about variant significance. To our knowledge, no experimental evidence demonstrating an impact on protein function has been reported. The following publication have been ascertained in the context of this evaluation (PMID: 36714460). ClinVar contains an entry for this variant (Variation ID: 1380727). Based on the evidence outlined above, the variant was classified as uncertain significance.

Literature cited by the submitters: PubMed 36714460 (cited by Labcorp Genetics (formerly Invitae), Labcorp and Women's Health and Genetics/Laboratory Corporation of America, LabCorp).

NM_001164508.2(NEB):c.10316T>C (p.Leu3439Pro)

Gene: NEB (nebulin; minus strand). Cytogenetic location: 2q23.3.
Variant type: single nucleotide variant.
Coding change: c.10316T>C on transcript NM_001164508.2 (MANE Select); coding-DNA position 10316, T replaced by C.
Protein change: p.Leu3439Pro; replaces leucine 3439 with proline.
Molecular consequence: missense variant.
Genome position (GRCh38, 1-based): chr2:151,627,033, A>G on the plus strand (T>C on the coding strand, the complement: NEB is on the minus strand). VCF-style: chr2-151627033-A-G. GRCh37 (hg19) VCF-style: chr2-152483547-A-G.
Other names: c.10316T>C, p.Leu3439Pro (NM_001164507.2, NM_001271208.2); c.9587T>C, p.Leu3196Pro (NM_004543.5); short protein forms L3196P, L3439P.
Identifiers: ClinVar variation 1380727 (VCV001380727.8), dbSNP rs2154058008, ClinGen allele CA348791970.